The following is an entry in ClinVar:

ClinVar aggregate classification (germline): Uncertain significance (1 of 4 stars; one submission).

Conditions:
Hereditary breast ovarian cancer syndrome. Also called: Hereditary breast and/or ovarian cancer syndrome; BRCA1- and BRCA2-Associated Hereditary Breast and Ovarian Cancer; Hereditary breast and ovarian cancer syndrome; Hereditary breast and ovarian cancer; Hereditary breast and ovarian cancer syndrome (HBOC); Breast and ovarian cancer. Identifiers: Orphanet 145, MedGen C0677776, MeSH D061325, MONDO:0003582. Disease mechanism: loss of function.

Submissions (2):

Labcorp Genetics (formerly Invitae), Labcorp
Classification: Uncertain significance for Hereditary breast ovarian cancer syndrome. Last evaluated: 2022-02-17. Review status: criteria provided, single submitter. Criteria: Invitae Variant Classification Sherloc (09022015). Collection method: clinical testing. Allele origin: germline.
Comment: ClinVar contains an entry for this variant (Variation ID: 865089). In summary, the available evidence is currently insufficient to determine the role of this variant in disease. Therefore, it has been classified as a Variant of Uncertain Significance. Variants that disrupt the consensus splice site are a relatively common cause of aberrant splicing (PMID: 17576681, 9536098). Algorithms developed to predict the effect of sequence changes on RNA splicing suggest that this variant is not likely to affect RNA splicing. Experimental studies have shown that this variant does not substantially affect BRCA1 function (PMID: 30209399). This variant has not been reported in the literature in individuals affected with BRCA1-related conditions. This variant is not present in population databases (gnomAD no frequency). This sequence change falls in intron 2 of the BRCA1 gene. It does not directly change the encoded amino acid sequence of the BRCA1 protein. It affects a nucleotide within the consensus splice site.

Brotman Baty Institute, University of Washington
No classification provided (evidence only). Condition: Breast-ovarian cancer, familial 1. Review status: no classification provided. Collection method: in vitro. Allele origin: not applicable. Functional consequence: functionally_normal. Not counted in ClinVar's aggregate classification.
ClinVar note: "not provided" was previously submitted as the classification for the variant. However, the classification appeared to be based only on an observation of functional data so it was converted to no classification on 2025-07-30.

Literature cited by the submitters: PubMed 17576681 (cited by Labcorp Genetics (formerly Invitae), Labcorp); PubMed 9536098 (cited by Labcorp Genetics (formerly Invitae), Labcorp); PubMed 30209399 (cited by Labcorp Genetics (formerly Invitae), Labcorp).

NM_007294.4(BRCA1):c.81-3T>C

Gene: BRCA1 (BRCA1 DNA repair associated; minus strand). Cytogenetic location: 17q21.31.
Variant type: single nucleotide variant.
Coding change: c.81-3T>C on transcript NM_007294.4 (MANE Select); 3 bases into the intron before coding-DNA position 81, T replaced by C.
Molecular consequence: intron variant.
Genome position (GRCh38, 1-based): chr17:43,115,782, A>G on the plus strand (T>C on the coding strand, the complement: BRCA1 is on the minus strand). VCF-style: chr17-43115782-A-G. GRCh37 (hg19) VCF-style: chr17-41267799-A-G.
Other names: c.-61-3T>C (NM_001408458.1, NM_001408470.1, NM_001407848.1 and 47 more transcripts); c.-219+9495T>C (NM_001407967.1); c.-170+9495T>C (NM_001407959.1); c.-7-9249T>C (NM_001407931.1, NM_001407747.1, NM_001408511.1 and 2 more transcripts); c.-223-3T>C (NM_001407962.1, NM_001408512.1, NM_001408510.1 and 1 more transcripts); c.-108-3T>C (NM_001407885.1, NM_001407886.1, NM_001408509.1 and 52 more transcripts); c.-177-3T>C (NM_001407746.1, NM_001408468.1, NM_001407842.1 and 13 more transcripts); c.-8+8235T>C (NM_001408461.1, NM_001407738.1, NM_001407932.1 and 23 more transcripts); and 10 more.
Identifiers: ClinVar variation 865089 (VCV000865089.8), dbSNP rs2055265076, ClinGen allele CA916081030.